The following is an entry in ClinVar:

ClinVar aggregate classification (germline): Benign/Likely benign. Review status: criteria provided, multiple submitters, no conflicts (2 of 4 stars). 8 submissions from 8 submitters: Benign (2); Likely benign (4). 2 of the submissions do not count toward it. Last evaluated 2026-01-27.

Conditions:
Autoimmune lymphoproliferative syndrome, type III caused by mutation in PRKCD. Identifiers: Orphanet 3261, Orphanet 664711, MedGen C3809928, MONDO:8000024, OMIM 615559.

Allele frequency attached by ClinVar (database versions not stated): 1000 Genomes Project 0.00060; 1000 Genomes Project 30x 0.00062; TOPMed 0.00091; gnomAD 0.00108 and 0.00114; ESP Exome Variant Server 0.00123; gnomAD exomes 0.00183 and 0.00190; ExAC 0.00216.
gnomAD v4.1: 2,932 of 1,614,200 alleles (0.18%); highest among the groups gnomAD compares: South Asian, 0.42%; 4 homozygotes.

Submissions (8):

Labcorp Genetics (formerly Invitae), Labcorp
Classification: Benign for Autoimmune lymphoproliferative syndrome, type III caused by mutation in PRKCD. Last evaluated: 2026-01-27. Review status: criteria provided, single submitter. Criteria: Invitae Variant Classification Sherloc (09022015). Collection method: clinical testing. Allele origin: germline.

CeGaT Center for Human Genetics Tuebingen
Classification: Likely benign. Last evaluated: 2025-10-01. Review status: criteria provided, single submitter. Criteria: CeGaT Center For Human Genetics Tuebingen Variant Classification Criteria Version 2. Collection method: clinical testing. Allele origin: germline. Affected: yes. Observed: 3 variant alleles.
Comment: PRKCD: BP4, BP7

Mayo Clinic Laboratories, Mayo Clinic
Classification: Likely benign. Last evaluated: 2025-02-10. Review status: criteria provided, single submitter. Criteria: ACMG Guidelines, 2015. Collection method: clinical testing. Allele origin: germline. Observed: 3 variant alleles.
Comment: BP4, BP7

Blueprint Genetics
Classification: Likely benign. Last evaluated: 2024-11-08. Review status: criteria provided, single submitter. Criteria: ACMG Guidelines, 2015. Collection method: clinical testing. Allele origin: germline.

ARUP Laboratories, Molecular Genetics and Genomics, ARUP Laboratories
Classification: Likely benign for Autoimmune lymphoproliferative syndrome, type III caused by mutation in PRKCD. Last evaluated: 2023-11-01. Review status: criteria provided, single submitter. Criteria: ARUP Molecular Germline Variant Investigation Process 2024. Collection method: clinical testing. Allele origin: germline.

Breakthrough Genomics
Classification: Benign. Review status: criteria provided, single submitter. Criteria: ACMG Guidelines, 2015. Collection method: not provided. Allele origin: germline. Inheritance: Autosomal recessive inheritance. Affected: yes.

Clinical Genetics DNA and cytogenetics Diagnostics Lab, Erasmus MC, Erasmus Medical Center
Classification: Likely benign. Review status: no assertion criteria provided. Collection method: clinical testing. Allele origin: germline. Affected: yes. Study: VKGL Data-share Consensus. Not counted in ClinVar's aggregate classification.

Genome Diagnostics Laboratory, University Medical Center Utrecht
Classification: Likely benign. Review status: no assertion criteria provided. Collection method: clinical testing. Allele origin: germline. Affected: yes. Study: VKGL Data-share Consensus. Not counted in ClinVar's aggregate classification.

NM_006254.4(PRKCD):c.603C>T (p.Ile201=)

Gene: PRKCD (protein kinase C delta; plus strand). Cytogenetic location: 3p21.1.
Variant type: single nucleotide variant.
Coding change: c.603C>T on transcript NM_006254.4 (MANE Select); coding-DNA position 603, C replaced by T.
Protein change: p.Ile201=; no amino-acid change (isoleucine 201 retained).
Molecular consequence: synonymous variant.
Genome position (GRCh38, 1-based): chr3:53,183,152, C>T. VCF-style: chr3-53183152-C-T. GRCh37 (hg19) VCF-style: chr3-53217168-C-T.
Other names: p.Ile201=; c.603C>T, p.Ile201= (NM_001316327.2, NM_001354679.2, NM_001354680.2 and 1 more transcripts); c.660C>T, p.Ile220= (NM_001354676.2); c.651C>T, p.Ile217= (NM_001354678.2).
Identifiers: ClinVar variation 784574 (VCV000784574.33), dbSNP rs75794462, ClinGen allele CA2451895.